The following is an entry in ClinVar:

ClinVar aggregate classification (germline): Likely pathogenic (1 of 4 stars; one submission).

Conditions:
Spermatogenic failure 86 (SPGF86). Identifiers: MedGen C5882755, MONDO:0957593, OMIM 620499.

gnomAD v4.1: 41 of 1,614,046 alleles (0.0025%); highest among the groups gnomAD compares: African/African-American, 0.012%; no homozygotes.

Submission:

First Genomix Gene Laboratory, Genetic Diagnostics Department
Classification: Likely pathogenic for Spermatogenic failure 86. Last evaluated: 2026-01-22. Review status: criteria provided, single submitter. Criteria: ACMG Guidelines, 2015. Collection method: clinical testing. Allele origin: germline. Inheritance: Autosomal recessive inheritance. Affected: no. Observed: 1 variant allele.

NM_006687.4(ACTL7A):c.1118G>A (p.Arg373His)

Gene: ACTL7A (actin like 7A; plus strand). Cytogenetic location: 9q31.3.
Variant type: single nucleotide variant.
Coding change: c.1118G>A on transcript NM_006687.4 (MANE Select); coding-DNA position 1118, G replaced by A.
Protein change: p.Arg373His; replaces arginine 373 with histidine.
Molecular consequence: missense variant.
Genome position (GRCh38, 1-based): chr9:108,863,440, G>A. VCF-style: chr9-108863440-G-A. GRCh37 (hg19) VCF-style: chr9-111625720-G-A.
Other names: short protein forms R373H.
Identifiers: ClinVar variation 4849322 (VCV004849322.1).
Genomic context (GRCh38, chr9:108,863,440, plus strand): 5'-ACCTCATGGGGAACATCCTGCTCTGCGGGGGCAGCACGATGCTCAGTGGCTTCCCTAACC[G>A]TCTGCAGAAGGAGCTAAGCAGCATGTGTCCCAATGACACCCCGCAGGTAAACGTGCTGCC-3'
Protein context (NP_006678.1, residues 363-383): GSTMLSGFPN[Arg373His]LQKELSSMCP